The following is an entry in ClinVar:

ClinVar aggregate classification (germline): Pathogenic (1 of 4 stars; one submission).

Conditions:
Birt-Hogg-Dube syndrome. Also called: Birt Hogg Dubé syndrome. Identifiers: Orphanet 122, MedGen C0346010, MONDO:0800444.

Submission:

Labcorp Genetics (formerly Invitae), Labcorp
Classification: Pathogenic for Birt-Hogg-Dube syndrome. Last evaluated: 2018-05-04. Review status: criteria provided, single submitter. Criteria: Invitae Variant Classification Sherloc (09022015). Collection method: clinical testing. Allele origin: germline.
Comment: For these reasons, this variant has been classified as Pathogenic. Loss-of-function variants in FLCN are known to be pathogenic (PMID: 15852235). This variant has not been reported in the literature in individuals with FLCN-related disease. This variant is not present in population databases (ExAC no frequency). This sequence change creates a premature translational stop signal (p.Asn484Ilefs*7) in the FLCN gene. It is expected to result in an absent or disrupted protein product.

Literature cited by the submitters: PubMed 15852235.

NM_144997.7(FLCN):c.1451del (p.Asn484fs)

Gene: FLCN (folliculin; minus strand). Cytogenetic location: 17p11.2.
Variant type: Deletion.
Coding change: c.1451del on transcript NM_144997.7 (MANE Select); coding-DNA position 1451, one base deleted (A; older notation c.1451delA).
Protein change: p.Asn484fs; shifts the reading frame from asparagine 484.
Molecular consequence: frameshift variant.
Genome position (GRCh38, 1-based): chr17:17,215,072, T deleted on the plus strand (A on the coding strand, the reverse complement: FLCN is on the minus strand); the first of 2 consecutive T bases (chr17:17,215,072-17,215,073); deleting either gives the same sequence. VCF-style (leftmost placement, unchanged base first): chr17-17215071-AT-A. GRCh37 (hg19) VCF-style: chr17-17118385-AT-A.
Other names: c.1451del (LRG_325t1); c.1505del, p.Asn502fs (NM_001353229.2); c.1451del, p.Asn484fs (NM_001353230.2, NM_001353231.2); short protein forms N484fs, N502fs.
Identifiers: ClinVar variation 575959 (VCV000575959.6), dbSNP rs1567807238, ClinGen allele CA891843884.
Genomic context (GRCh38, chr17:17,215,071, plus strand): 5'-GAGGCACTGGTCCACCACATCCACAGACAGGTTCTGGTTGGTCAGAGCCGCTTCAATCTT[AT>A]TCAGGATGGTGGGGCCCACTGGGGAGAAGGGCAGGGGCAGAGCAAGGGCAGGCGTTAGCG-3'